The following is an entry in ClinVar:

ClinVar aggregate classification (germline): Uncertain significance (1 of 4 stars; one submission).

Conditions:
Inborn genetic diseases. Identifiers: MedGen C0950123, MeSH D030342.

Submission:

Ambry Genetics
Classification: Uncertain significance for Inborn genetic diseases. Last evaluated: 2025-09-14. Review status: criteria provided, single submitter. Criteria: Ambry Variant Classification Scheme 2023. Collection method: clinical testing. Allele origin: germline.
Comment: The p.D320E variant (also known as c.960C>G), located in coding exon 1 of the CEBPA gene, results from a C to G substitution at nucleotide position 960. The aspartic acid at codon 320 is replaced by glutamic acid, an amino acid with highly similar properties. This amino acid position is conserved. In addition, this alteration is predicted to be tolerated by in silico analysis. Based on the available evidence, the clinical significance of this variant remains unclear.

NM_004364.5(CEBPA):c.960C>G (p.Asp320Glu)

Gene: CEBPA (CCAAT enhancer binding protein alpha; minus strand). Cytogenetic location: 19q13.11.
Variant type: single nucleotide variant.
Coding change: c.960C>G on transcript NM_004364.5 (MANE Select); coding-DNA position 960, C replaced by G.
Protein change: p.Asp320Glu; replaces aspartic acid 320 with glutamic acid.
Molecular consequence: missense variant.
Genome position (GRCh38, 1-based): chr19:33,301,455, G>C on the plus strand (C>G on the coding strand, the complement: CEBPA is on the minus strand). VCF-style: chr19-33301455-G-C. GRCh37 (hg19) VCF-style: chr19-33792361-G-C.
Other names: c.603C>G, p.Asp201Glu (NM_001285829.2); c.1065C>G, p.Asp355Glu (NM_001287424.2); c.918C>G, p.Asp306Glu (NM_001287435.2); short protein forms D201E, D306E, D355E, D320E.
Identifiers: ClinVar variation 4225063 (VCV004225063.1).